The following is an entry in ClinVar:

NM_014000.3(VCL):c.2656C>T (p.Pro886Ser)

Gene: VCL (vinculin; plus strand). Cytogenetic location: 10q22.2.
Variant type: single nucleotide variant.
Coding change: c.2656C>T on transcript NM_014000.3 (MANE Select); coding-DNA position 2656, C replaced by T.
Protein change: p.Pro886Ser; replaces proline 886 with serine.
Molecular consequence: missense variant.
Genome position (GRCh38, 1-based): chr10:74,109,067, C>T. VCF-style: chr10-74109067-C-T. GRCh37 (hg19) VCF-style: chr10-75868825-C-T.
Other names: c.2656C>T, p.Pro886Ser (NM_003373.4); short protein forms P886S.
Identifiers: ClinVar variation 2586044 (VCV002586044.2), dbSNP rs2549234317, ClinGen allele CA377264298.

ClinVar aggregate classification (germline): Uncertain significance (1 of 4 stars; one submission).

Conditions:
Cardiovascular phenotype. Identifiers: MedGen CN230736.

Submission:

Ambry Genetics
Classification: Uncertain significance for Cardiovascular phenotype. Last evaluated: 2023-08-03. Review status: criteria provided, single submitter. Criteria: Ambry Variant Classification Scheme 2023. Collection method: clinical testing. Allele origin: germline.
Comment: The p.P886S variant (also known as c.2656C>T), located in coding exon 18 of the VCL gene, results from a C to T substitution at nucleotide position 2656. The proline at codon 886 is replaced by serine, an amino acid with similar properties. This amino acid position is conserved. In addition, this alteration is predicted to be tolerated by in silico analysis. Since supporting evidence is limited at this time, the clinical significance of this alteration remains unclear.